The following is an entry in ClinVar:

ClinVar aggregate classification (germline): Uncertain significance (1 of 4 stars; one submission).

Conditions:
Nephronophthisis. Also called: Juvenile Nephronophthisis. Identifiers: Orphanet 655, MedGen C0687120, MONDO:0019005, HP:0000090.

Submission:

Labcorp Genetics (formerly Invitae), Labcorp
Classification: Uncertain significance for Nephronophthisis. Last evaluated: 2022-07-12. Review status: criteria provided, single submitter. Criteria: Invitae Variant Classification Sherloc (09022015). Collection method: clinical testing. Allele origin: germline.
Comment: In summary, the available evidence is currently insufficient to determine the role of this variant in disease. Therefore, it has been classified as a Variant of Uncertain Significance. Algorithms developed to predict the effect of sequence changes on RNA splicing suggest that this variant may create or strengthen a splice site. Algorithms developed to predict the effect of missense changes on protein structure and function are either unavailable or do not agree on the potential impact of this missense change (SIFT: "Deleterious"; PolyPhen-2: "Benign"; Align-GVGD: "Class C0"). This variant has not been reported in the literature in individuals affected with NPHP4-related conditions. This variant is not present in population databases (gnomAD no frequency). This sequence change replaces aspartic acid, which is acidic and polar, with glycine, which is neutral and non-polar, at codon 689 of the NPHP4 protein (p.Asp689Gly).

NM_015102.5(NPHP4):c.2066A>G (p.Asp689Gly)

Gene: NPHP4 (nephrocystin 4; minus strand). Cytogenetic location: 1p36.31.
Variant type: single nucleotide variant.
Coding change: c.2066A>G on transcript NM_015102.5 (MANE Select); coding-DNA position 2066, A replaced by G.
Protein change: p.Asp689Gly; replaces aspartic acid 689 with glycine.
Molecular consequence: missense variant. On other transcripts: non-coding transcript variant (1).
Genome position (GRCh38, 1-based): chr1:5,904,694, T>C on the plus strand (A>G on the coding strand, the complement: NPHP4 is on the minus strand). VCF-style: chr1-5904694-T-C. GRCh37 (hg19) VCF-style: chr1-5964754-T-C.
Other names: c.527A>G, p.Asp176Gly (NM_001291593.2); c.530A>G, p.Asp177Gly (NM_001291594.2); short protein forms D177G, D689G, D176G.
Identifiers: ClinVar variation 2069556 (VCV002069556.4), dbSNP rs2521441730, ClinGen allele CA338053378.